The following is an entry in ClinVar:

ClinVar aggregate classification (germline): Pathogenic (1 of 4 stars; one submission).

Submission:

Labcorp Genetics (formerly Invitae), Labcorp
Classification: Pathogenic. Last evaluated: 2023-10-14. Review status: criteria provided, single submitter. Criteria: Invitae Variant Classification Sherloc (09022015). Collection method: clinical testing. Allele origin: germline.
Comment: This sequence change creates a premature translational stop signal (p.Gln440*) in the SLC27A4 gene. It is expected to result in an absent or disrupted protein product. Loss-of-function variants in SLC27A4 are known to be pathogenic (PMID: 19631310, 21450060). This variant is not present in population databases (gnomAD no frequency). This variant has not been reported in the literature in individuals affected with SLC27A4-related conditions. For these reasons, this variant has been classified as Pathogenic.

Literature cited by the submitters: PubMed 19631310; PubMed 21450060.

NM_005094.4(SLC27A4):c.1318C>T (p.Gln440Ter)

Gene: SLC27A4 (solute carrier family 27 member 4; plus strand). Cytogenetic location: 9q34.11.
Variant type: single nucleotide variant.
Coding change: c.1318C>T on transcript NM_005094.4 (MANE Select); coding-DNA position 1318, C replaced by T.
Protein change: p.Gln440Ter; replaces glutamine 440 with a stop codon.
Molecular consequence: nonsense.
Genome position (GRCh38, 1-based): chr9:128,353,535, C>T. VCF-style: chr9-128353535-C-T. GRCh37 (hg19) VCF-style: chr9-131115814-C-T.
Other names: short protein forms Q440*.
Identifiers: ClinVar variation 2796897 (VCV002796897.3), dbSNP rs2539463083, ClinGen allele CA375035670.